The following is an entry in ClinVar:

NM_021076.4(NEFH):c.2842A>G (p.Lys948Glu)

Gene: NEFH (neurofilament heavy chain; plus strand). Cytogenetic location: 22q12.2.
Variant type: single nucleotide variant.
Coding change: c.2842A>G on transcript NM_021076.4 (MANE Select); coding-DNA position 2842, A replaced by G.
Protein change: p.Lys948Glu; replaces lysine 948 with glutamic acid.
Molecular consequence: missense variant.
Genome position (GRCh38, 1-based): chr22:29,490,482, A>G. VCF-style: chr22-29490482-A-G. GRCh37 (hg19) VCF-style: chr22-29886471-A-G.
Other names: c.2842A>G (NM_021076.3); short protein forms K948E.
Identifiers: ClinVar variation 1348165 (VCV001348165.9), dbSNP rs1375237623, ClinGen allele CA411138791.

ClinVar aggregate classification (germline): Conflicting classifications of pathogenicity. Review status: criteria provided, conflicting classifications (1 of 4 stars). 2 submissions from 2 submitters: Uncertain significance (1); Likely benign (1). Last evaluated 2021-11-09.

Conditions:
Inborn genetic diseases. Identifiers: MedGen C0950123, MeSH D030342.

Allele frequency attached by ClinVar (database versions not stated): gnomAD exomes below 0.00001; gnomAD 0.00001.

Submissions (2):

Ambry Genetics
Classification: Likely benign for Inborn genetic diseases. Last evaluated: 2021-11-09. Review status: criteria provided, single submitter. Criteria: Ambry Variant Classification Scheme 2023. Collection method: clinical testing. Allele origin: germline.

Labcorp Genetics (formerly Invitae), Labcorp
Classification: Uncertain significance. Last evaluated: 2021-03-23. Review status: criteria provided, single submitter. Criteria: Invitae Variant Classification Sherloc (09022015). Collection method: clinical testing. Allele origin: germline.
Comment: In summary, the available evidence is currently insufficient to determine the role of this variant in disease. Therefore, it has been classified as a Variant of Uncertain Significance. Advanced modeling of protein sequence and biophysical properties (such as structural, functional, and spatial information, amino acid conservation, physicochemical variation, residue mobility, and thermodynamic stability) performed at Invitae indicates that this missense variant is not expected to disrupt NEFH protein function. This variant has not been reported in the literature in individuals with NEFH-related conditions. This variant is not present in population databases (ExAC no frequency). This sequence change replaces lysine with glutamic acid at codon 948 of the NEFH protein (p.Lys948Glu). The lysine residue is weakly conserved and there is a small physicochemical difference between lysine and glutamic acid.